The following is an entry in ClinVar:

ClinVar aggregate classification (germline): Pathogenic/Likely pathogenic. Review status: criteria provided, multiple submitters, no conflicts (2 of 4 stars). 3 submissions from 3 submitters: Pathogenic (2); Likely pathogenic (1). Last evaluated 2025-09-26.

Conditions:
MAN2B1-related disorder. Also called: MAN2B1-related condition.
Deficiency of alpha-mannosidase (MANSA). Also called: LYSOSOMAL ALPHA-D-MANNOSIDASE DEFICIENCY; Alpha-Mannosidosis; Mannosidosis, alpha-, types I and II. Identifiers: Orphanet 61, MedGen C0024748, MONDO:0009561, OMIM 248500.

Submissions (3):

PreventionGenetics, part of Exact Sciences
Classification: Likely pathogenic for MAN2B1-related condition. Last evaluated: 2025-09-26. Review status: criteria provided, single submitter. Criteria: ACMG Guidelines, 2015. Collection method: clinical testing. Allele origin: germline.
Comment: The MAN2B1 c.343dupC variant is predicted to result in a frameshift and premature protein termination (p.Arg115Profs*46). To our knowledge, this variant has not been reported in the literature or in a large population database (gnomAD), indicating this variant is rare. Frameshift variants in MAN2B1 are expected to be pathogenic. This variant is interpreted as likely pathogenic.

Myriad Genetics, Inc.
Classification: Pathogenic for Deficiency of alpha-mannosidase. Last evaluated: 2023-12-08. Review status: criteria provided, single submitter. Criteria: Myriad Autosomal Dominant, Autosomal Recessive and X-Linked Classification Criteria (2023). Collection method: clinical testing. Allele origin: unknown.
Comment: NM_000528.3(MAN2B1):c.343dupC(R115Pfs*46) is expected to be pathogenic in the context of alpha-mannosidosis. This variant is predicted to lead to an abnormal or absent protein product due to the creation of a premature termination codon in MAN2B1, a gene where loss-of-function variants are known to be pathogenic. Please note: this variant was assessed in the context of healthy population screening.

Labcorp Genetics (formerly Invitae), Labcorp
Classification: Pathogenic for Deficiency of alpha-mannosidase. Last evaluated: 2022-02-11. Review status: criteria provided, single submitter. Criteria: Invitae Variant Classification Sherloc (09022015). Collection method: clinical testing. Allele origin: germline.
Comment: For these reasons, this variant has been classified as Pathogenic. This variant has not been reported in the literature in individuals affected with MAN2B1-related conditions. This variant is not present in population databases (gnomAD no frequency). This sequence change creates a premature translational stop signal (p.Arg115Profs*46) in the MAN2B1 gene. It is expected to result in an absent or disrupted protein product. Loss-of-function variants in MAN2B1 are known to be pathogenic (PMID: 9915946, 22161967).

Literature cited by the submitters: PubMed 9915946 (cited by Labcorp Genetics (formerly Invitae), Labcorp); PubMed 22161967 (cited by Labcorp Genetics (formerly Invitae), Labcorp).

NM_000528.4(MAN2B1):c.343dup (p.Arg115fs)

Gene: MAN2B1 (mannosidase alpha class 2B member 1; minus strand). Cytogenetic location: 19p13.13.
Variant type: Duplication.
Coding change: c.343dup on transcript NM_000528.4 (MANE Select); coding-DNA position 343, one base duplicated (C; older notation c.343dupC).
Protein change: p.Arg115fs; shifts the reading frame from arginine 115.
Molecular consequence: frameshift variant.
Genome position (GRCh38, 1-based): chr19:12,665,445, G duplicated on the plus strand (C on the coding strand, the reverse complement: MAN2B1 is on the minus strand). VCF-style (leftmost placement, unchanged base first): chr19-12665444-C-CG. GRCh37 (hg19) VCF-style: chr19-12776258-C-CG.
Other names: c.343dupC (NM_000528.3); c.343dup, p.Arg115fs (NM_001173498.2); short protein forms R115fs.
Identifiers: ClinVar variation 2096661 (VCV002096661.6), dbSNP rs2512516429, ClinGen allele CA2580096483.
Genomic context (GRCh38, chr19:12,665,444, plus strand): 5'-GTGGCATTTGTCTGCTGGTGCCACCAACGGGAGAAGAAGGCAATCTCCACGTAAATGAAG[C>CG]GACGGGTGGGATCTGCCAGCAAGGCAGAGATGACCGAGTCCAGGATGTACTGCACACCGG-3'